The following is an entry in ClinVar:

ClinVar aggregate classification (germline): Uncertain significance (1 of 4 stars; one submission).

Submission:

Labcorp Genetics (formerly Invitae), Labcorp
Classification: Uncertain significance. Last evaluated: 2023-08-10. Review status: criteria provided, single submitter. Criteria: Invitae Variant Classification Sherloc (09022015). Collection method: clinical testing. Allele origin: germline.
Comment: This sequence change replaces glutamine, which is neutral and polar, with glutamic acid, which is acidic and polar, at codon 47 of the POLR3A protein (p.Gln47Glu). This variant is not present in population databases (gnomAD no frequency). This variant has not been reported in the literature in individuals affected with POLR3A-related conditions. ClinVar contains an entry for this variant (Variation ID: 1992500). Advanced modeling of protein sequence and biophysical properties (such as structural, functional, and spatial information, amino acid conservation, physicochemical variation, residue mobility, and thermodynamic stability) performed at Invitae indicates that this missense variant is not expected to disrupt POLR3A protein function. Algorithms developed to predict the effect of sequence changes on RNA splicing suggest that this variant may disrupt the consensus splice site. In summary, the available evidence is currently insufficient to determine the role of this variant in disease. Therefore, it has been classified as a Variant of Uncertain Significance.

NM_007055.4(POLR3A):c.139C>G (p.Gln47Glu)

Gene: POLR3A (RNA polymerase III subunit A; minus strand). Cytogenetic location: 10q22.3.
Variant type: single nucleotide variant.
Coding change: c.139C>G on transcript NM_007055.4 (MANE Select); coding-DNA position 139, C replaced by G.
Protein change: p.Gln47Glu; replaces glutamine 47 with glutamic acid.
Molecular consequence: missense variant.
Genome position (GRCh38, 1-based): chr10:78,026,135, G>C on the plus strand (C>G on the coding strand, the complement: POLR3A is on the minus strand). VCF-style: chr10-78026135-G-C. GRCh37 (hg19) VCF-style: chr10-79785893-G-C.
Other names: short protein forms Q47E.
Identifiers: ClinVar variation 1992500 (VCV001992500.4), dbSNP rs2493245607, ClinGen allele CA377347521.
Genomic context (GRCh38, chr10:78,026,135, plus strand): 5'-AGGGGTGAGGGGGCCTTACCATCCTATGGTCGAGCACCCCATATAGCAAGGGGGCATGTT[G>C]GTTGTCCTGGCTGTACAGGTTCTTACTCACAACTTGGATGTGCGCCTGCTGGCGCATCTC-3'
Protein context (NP_008986.2, residues 37-57): VSKNLYSQDN[Gln47Glu]HAPLLYGVLD